The following is an entry in ClinVar:

ClinVar aggregate classification (germline): Uncertain significance. Review status: criteria provided, multiple submitters, no conflicts (2 of 4 stars). 2 submissions from 2 submitters: Uncertain significance (2). Last evaluated 2023-11-27.

Conditions:
Paramyotonia congenita of Von Eulenburg. Also called: Eulenburg disease; Myotonia congenita intermittens; Von Eulenburg paramyotonia congenita; PARALYSIS PERIODICA PARAMYOTONICA; Paramyotonia Congenita. Identifiers: Orphanet 684, MedGen C0221055, MONDO:0008195, OMIM 168300. Disease mechanism: loss of function.
Hyperkalemic periodic paralysis. Also called: Familial hyperkalemic periodic paralysis; Gamstorp disease. Identifiers: Orphanet 682, MedGen C0238357, MONDO:0008224, OMIM 170500, HP:0007215.

Allele frequency attached by ClinVar (database versions not stated): gnomAD exomes below 0.00001.
gnomAD v4.1: 2 of 1,611,882 alleles (0.00012%); highest among the groups gnomAD compares: Non-Finnish European, 0.00017%; no homozygotes.

Submissions (2):

Labcorp Genetics (formerly Invitae), Labcorp
Classification: Uncertain significance for Hyperkalemic periodic paralysis. Last evaluated: 2023-11-27. Review status: criteria provided, single submitter. Criteria: Invitae Variant Classification Sherloc (09022015). Collection method: clinical testing. Allele origin: germline.
Comment: This sequence change replaces arginine, which is basic and polar, with cysteine, which is neutral and slightly polar, at codon 1457 of the SCN4A protein (p.Arg1457Cys). This variant is present in population databases (no rsID available, gnomAD 0.0009%). This variant has not been reported in the literature in individuals affected with SCN4A-related conditions. ClinVar contains an entry for this variant (Variation ID: 976303). Advanced modeling of protein sequence and biophysical properties (such as structural, functional, and spatial information, amino acid conservation, physicochemical variation, residue mobility, and thermodynamic stability) performed at Invitae indicates that this missense variant is expected to disrupt SCN4A protein function with a positive predictive value of 95%. In summary, the available evidence is currently insufficient to determine the role of this variant in disease. Therefore, it has been classified as a Variant of Uncertain Significance.

Institute of Human Genetics, University of Leipzig Medical Center
Classification: Uncertain significance for Paramyotonia congenita of Von Eulenburg. Last evaluated: 2019-12-05. Review status: criteria provided, single submitter. Criteria: ACMG Guidelines, 2015. Collection method: clinical testing. Allele origin: de novo. Affected: yes. Observed: 1 variant allele.

NM_000334.4(SCN4A):c.4369C>T (p.Arg1457Cys)

Genes: SCN4A (sodium voltage-gated channel alpha subunit 4; minus strand), GH-LCR (growth hormone locus control region; plus strand). Cytogenetic location: 17q23.3.
Variant type: single nucleotide variant.
Coding change: c.4369C>T on transcript NM_000334.4 (MANE Select); coding-DNA position 4369, C replaced by T.
Protein change: p.Arg1457Cys; replaces arginine 1457 with cysteine.
Molecular consequence: missense variant.
Genome position (GRCh38, 1-based): chr17:63,941,913, G>A on the plus strand (C>T on the coding strand, the complement: SCN4A is on the minus strand). VCF-style: chr17-63941913-G-A. GRCh37 (hg19) VCF-style: chr17-62019273-G-A.
Other names: short protein forms R1457C.
Identifiers: ClinVar variation 976303 (VCV000976303.6), dbSNP rs1473372899, ClinGen allele CA400616148.
Genomic context (GRCh38, chr17:63,941,913, plus strand): 5'-TCATGAGGGCGAACAGCAGCGTCCGGATGCCCTTGGCCCCGCGGATCAGCCGCAGGACAC[G>A]CCCAATCCGCGCCAGGCGGATCACACGGAACAGCGTGGGTGACACGAAGTACTTCTGGAT-3'
Protein context (NP_000325.4, residues 1447-1467): FRVIRLARIG[Arg1457Cys]VLRLIRGAKG